The following is an entry in ClinVar:

ClinVar aggregate classification (germline): Uncertain significance. Review status: criteria provided, multiple submitters, no conflicts (2 of 4 stars). 2 submissions from 2 submitters: Uncertain significance (2). Last evaluated 2024-11-09.

Conditions:
PLXNA1-related disorder. Also called: PLXNA1-related condition.

Allele frequency attached by ClinVar (database versions not stated): gnomAD exomes below 0.00001; ExAC 0.00001.
gnomAD v4.1: 3 of 1,613,608 alleles (0.00019%); highest among the groups gnomAD compares: African/African-American, 0.0013%; no homozygotes.

Submissions (2):

PreventionGenetics, part of Exact Sciences
Classification: Uncertain significance for PLXNA1-related condition. Last evaluated: 2024-11-09. Review status: criteria provided, single submitter. Criteria: ACMG Guidelines, 2015. Collection method: clinical testing. Allele origin: germline.
Comment: The PLXNA1 c.847G>A variant is predicted to result in the amino acid substitution p.Val283Met. This variant was reported in an individual with Parkinson disease (Supplementary Table I, Li et al. 2023. PubMed ID: 37397528). This variant is reported in 0.00088% of alleles in individuals of European (Non-Finnish) descent in gnomAD. At this time, the clinical significance of this variant is uncertain due to the absence of conclusive functional and genetic evidence.

Ambry Genetics
Classification: Uncertain significance. Last evaluated: 2022-12-05. Review status: criteria provided, single submitter. Criteria: Ambry Variant Classification Scheme 2023. Collection method: clinical testing. Allele origin: germline.

NM_032242.4(PLXNA1):c.847G>A (p.Val283Met)

Gene: PLXNA1 (plexin A1; plus strand). Cytogenetic location: 3q21.3.
Variant type: single nucleotide variant.
Coding change: c.847G>A on transcript NM_032242.4 (MANE Select); coding-DNA position 847, G replaced by A.
Protein change: p.Val283Met; replaces valine 283 with methionine.
Molecular consequence: missense variant.
Genome position (GRCh38, 1-based): chr3:126,989,440, G>A. VCF-style: chr3-126989440-G-A. GRCh37 (hg19) VCF-style: chr3-126708283-G-A.
Other names: short protein forms V283M.
Identifiers: ClinVar variation 2332815 (VCV002332815.3), dbSNP rs756459337, ClinGen allele CA2593062.
Genomic context (GRCh38, chr3:126,989,440, plus strand): 5'-CTAGACACACAGCTGACCTCGCCTGATGCCGCCGGCGAGCACTTCTTCACGTCCAAGATC[G>A]TGCGGCTCTGTGTGGACGACCCCAAATTCTACTCGTACGTTGAGTTCCCCATTGGCTGCG-3'
Protein context (NP_115618.3, residues 273-293): AGEHFFTSKI[Val283Met]RLCVDDPKFY